The following is an entry in ClinVar:

ClinVar aggregate classification (germline): Uncertain significance (1 of 4 stars; one submission).

Conditions:
Inborn genetic diseases. Identifiers: MedGen C0950123, MeSH D030342.

Allele frequency attached by ClinVar (database versions not stated): gnomAD exomes below 0.00001.
gnomAD v4.1: 2 of 1,528,582 alleles (0.00013%); highest among the groups gnomAD compares: Non-Finnish European, 0.00017%; no homozygotes.

Submission:

Ambry Genetics
Classification: Uncertain significance for Inborn genetic diseases. Last evaluated: 2017-10-04. Review status: criteria provided, single submitter. Criteria: Ambry Variant Classification Scheme 2023. Collection method: clinical testing. Allele origin: germline.
Comment: The p.L11F variant (also known as c.31C>T), located in coding exon 1 of the CTSD gene, results from a C to T substitution at nucleotide position 31. The leucine at codon 11 is replaced by phenylalanine, an amino acid with highly similar properties. This amino acid position is not well conserved in available vertebrate species, and phenylalanine is the reference amino acid in other vertebrate species. In addition, this alteration is predicted to be tolerated by in silico analysis. Since supporting evidence is limited at this time, the clinical significance of this alteration remains unclear.

NM_001909.5(CTSD):c.31C>T (p.Leu11Phe)

Gene: CTSD (cathepsin D; minus strand). Cytogenetic location: 11p15.5.
Variant type: single nucleotide variant.
Coding change: c.31C>T on transcript NM_001909.5 (MANE Select); coding-DNA position 31, C replaced by T.
Protein change: p.Leu11Phe; replaces leucine 11 with phenylalanine.
Molecular consequence: missense variant.
Genome position (GRCh38, 1-based): chr11:1,763,829, G>A on the plus strand (C>T on the coding strand, the complement: CTSD is on the minus strand). VCF-style: chr11-1763829-G-A. GRCh37 (hg19) VCF-style: chr11-1785059-G-A.
Other names: short protein forms L11F.
Identifiers: ClinVar variation 1728786 (VCV001728786.2), dbSNP rs2493834548, ClinGen allele CA379100955.
Genomic context (GRCh38, chr11:1,763,829, plus strand): 5'-AGCCCCGGCCCCTGAGGCTTCACCTGACGAGCGCGGAGGCGGGTGCAGCCAGCAGGCAGA[G>A]GGCGAGCGGCAGAAGGCTGGAGGGCTGCATGGCGGCGGCGGCCGGGTCGGAGAGGGTCGC-3'
Protein context (NP_001900.1, residues 1-21): MQPSSLLPLA[Leu11Phe]CLLAAPASAL